The following is an entry in ClinVar:

ClinVar aggregate classification (germline): Uncertain significance (1 of 4 stars; one submission).

Conditions:
Acrocallosal syndrome (ACLS). Also called: Schinzel syndrome 1; Absence of corpus callosum with unusual facial appearance, mental deficiency, duplication of the halluces and polydactyly; HALLUX DUPLICATION, POSTAXIAL POLYDACTYLY, AND ABSENCE OF CORPUS CALLOSUM. Identifiers: Orphanet 36, MedGen C0796147, MONDO:0008708, OMIM 200990.

Submission:

Labcorp Genetics (formerly Invitae), Labcorp
Classification: Uncertain significance for Acrocallosal syndrome. Last evaluated: 2021-09-25. Review status: criteria provided, single submitter. Criteria: Invitae Variant Classification Sherloc (09022015). Collection method: clinical testing. Allele origin: germline.
Comment: In summary, the available evidence is currently insufficient to determine the role of this variant in disease. Therefore, it has been classified as a Variant of Uncertain Significance. Algorithms developed to predict the effect of missense changes on protein structure and function (SIFT, PolyPhen-2, Align-GVGD) all suggest that this variant is likely to be tolerated. This variant has not been reported in the literature in individuals affected with KIF7-related conditions. The frequency data for this variant in the population databases is considered unreliable, as metrics indicate insufficient coverage at this position in the ExAC database. This sequence change replaces alanine with serine at codon 369 of the KIF7 protein (p.Ala369Ser). The alanine residue is weakly conserved and there is a moderate physicochemical difference between alanine and serine.

NM_198525.3(KIF7):c.1105G>T (p.Ala369Ser)

Gene: KIF7 (kinesin family member 7; minus strand). Cytogenetic location: 15q26.1.
Variant type: single nucleotide variant.
Coding change: c.1105G>T on transcript NM_198525.3 (MANE Select); coding-DNA position 1105, G replaced by T.
Protein change: p.Ala369Ser; replaces alanine 369 with serine.
Molecular consequence: missense variant.
Genome position (GRCh38, 1-based): chr15:89,648,593, C>A on the plus strand (G>T on the coding strand, the complement: KIF7 is on the minus strand). VCF-style: chr15-89648593-C-A. GRCh37 (hg19) VCF-style: chr15-90191824-C-A.
Other names: short protein forms A369S.
Identifiers: ClinVar variation 1383192 (VCV001383192.6), dbSNP rs2142029069, ClinGen allele CA393772487.